The following is an entry in ClinVar:

NM_000057.4(BLM):c.1586C>T (p.Ala529Val)

Gene: BLM (BLM RecQ like helicase; plus strand). Cytogenetic location: 15q26.1.
Variant type: single nucleotide variant.
Coding change: c.1586C>T on transcript NM_000057.4 (MANE Select); coding-DNA position 1586, C replaced by T.
Protein change: p.Ala529Val; replaces alanine 529 with valine.
Molecular consequence: missense variant.
Genome position (GRCh38, 1-based): chr15:90,760,959, C>T. VCF-style: chr15-90760959-C-T. GRCh37 (hg19) VCF-style: chr15-91304189-C-T.
Other names: c.1586C>T, p.Ala529Val (NM_001287246.2, NM_001287247.2); c.461C>T, p.Ala154Val (NM_001287248.2); short protein forms A154V, A529V.
Identifiers: ClinVar variation 3480876 (VCV003480876.1).
Genomic context (GRCh38, chr15:90,760,959, plus strand): 5'-CAAGACTAGGAAAAAAAAATGAAAGCTCTTATTTCCCAGGAAATGTTCTCACAAGCACTG[C>T]TGTGAAAGATCAGAATAAACATACTGCTTCAATAAATGACTTAGAAAGAGAAACCCAACC-3'
Protein context (NP_000048.1, residues 519-539): YFPGNVLTST[Ala529Val]VKDQNKHTAS

ClinVar aggregate classification (germline): Uncertain significance (1 of 4 stars; one submission).

Conditions:
Hereditary cancer-predisposing syndrome. Also called: Tumor predisposition; Neoplastic Syndromes, Hereditary; Hereditary Cancer Syndrome; Hereditary neoplastic syndrome. Identifiers: Orphanet 140162, MedGen C0027672, MeSH D009386, MONDO:0015356.

Submission:

Ambry Genetics
Classification: Uncertain significance for Hereditary cancer-predisposing syndrome. Last evaluated: 2024-10-13. Review status: criteria provided, single submitter. Criteria: Ambry Variant Classification Scheme 2023. Collection method: clinical testing. Allele origin: germline.
Comment: The p.A529V variant (also known as c.1586C>T), located in coding exon 6 of the BLM gene, results from a C to T substitution at nucleotide position 1586. The alanine at codon 529 is replaced by valine, an amino acid with similar properties. This amino acid position is conserved. In addition, this alteration is predicted to be tolerated by in silico analysis. Based on the available evidence, the clinical significance of this variant remains unclear.